The following is an entry in ClinVar:

ClinVar aggregate classification (germline): Uncertain significance (1 of 4 stars; one submission).

Conditions:
Hereditary cancer-predisposing syndrome. Also called: Neoplastic Syndromes, Hereditary; Tumor predisposition; Hereditary neoplastic syndrome; Hereditary Cancer Syndrome. Identifiers: Orphanet 140162, MedGen C0027672, MeSH D009386, MONDO:0015356.

Submission:

Ambry Genetics
Classification: Uncertain significance for Hereditary cancer-predisposing syndrome. Last evaluated: 2023-11-28. Review status: criteria provided, single submitter. Criteria: Ambry Variant Classification Scheme 2023. Collection method: clinical testing. Allele origin: germline.
Comment: The p.E1749D variant (also known as c.5247G>C), located in coding exon 39 of the POLE gene, results from a G to C substitution at nucleotide position 5247. The glutamic acid at codon 1749 is replaced by aspartic acid, an amino acid with highly similar properties. This amino acid position is conserved. In addition, the in silico prediction for this alteration is inconclusive. Since supporting evidence is limited at this time, the clinical significance of this alteration remains unclear.

NM_006231.4(POLE):c.5247G>C (p.Glu1749Asp)

Gene: POLE (DNA polymerase epsilon, catalytic subunit; minus strand). Cytogenetic location: 12q24.33.
Variant type: single nucleotide variant.
Coding change: c.5247G>C on transcript NM_006231.4 (MANE Select); coding-DNA position 5247, G replaced by C.
Protein change: p.Glu1749Asp; replaces glutamic acid 1749 with aspartic acid.
Molecular consequence: missense variant.
Genome position (GRCh38, 1-based): chr12:132,641,778, C>G on the plus strand (G>C on the coding strand, the complement: POLE is on the minus strand). VCF-style: chr12-132641778-C-G. GRCh37 (hg19) VCF-style: chr12-133218364-C-G.
Other names: short protein forms E1749D.
Identifiers: ClinVar variation 3225478 (VCV003225478.1), dbSNP rs753472248, ClinGen allele CA387376341.